The following is an entry in ClinVar:

ClinVar aggregate classification (germline): Benign/Likely benign. Review status: criteria provided, multiple submitters, no conflicts (2 of 4 stars). 4 submissions from 4 submitters: Benign (1); Likely benign (3). Last evaluated 2024-10-15.

Conditions:
Fanconi anemia complementation group J. Also called: BRIP1-Related Fanconi Anemia. Identifiers: Orphanet 84, MedGen C1836860, MONDO:0012187, OMIM 609054.
Familial cancer of breast. Also called: hereditary breast carcinoma; BREAST CANCER, FAMILIAL; Hereditary breast cancer. Identifiers: Orphanet 227535, MedGen C0346153, MONDO:0016419, OMIM 114480. Disease mechanism: loss of function.
Hereditary cancer-predisposing syndrome. Also called: Tumor predisposition; Hereditary Cancer Syndrome; Hereditary neoplastic syndrome; Neoplastic Syndromes, Hereditary. Identifiers: Orphanet 140162, MedGen C0027672, MeSH D009386, MONDO:0015356.

Allele frequency attached by ClinVar (database versions not stated): TOPMed 0.00001.
gnomAD v4.1: 3 of 1,613,448 alleles (0.00019%); highest among the groups gnomAD compares: Non-Finnish European, 0.00025%; no homozygotes.

Submissions (4):

Labcorp Genetics (formerly Invitae), Labcorp
Classification: Likely benign for Familial cancer of breast; Fanconi anemia complementation group J. Last evaluated: 2024-10-15. Review status: criteria provided, single submitter. Criteria: Invitae Variant Classification Sherloc (09022015). Collection method: clinical testing. Allele origin: germline.

Myriad Genetics, Inc.
Classification: Benign for Familial cancer of breast. Last evaluated: 2024-08-26. Review status: criteria provided, single submitter. Criteria: Myriad Autosomal Dominant, Autosomal Recessive and X-Linked Classification Criteria (2023). Collection method: clinical testing. Allele origin: unknown.
Comment: This variant is considered benign. This variant is a silent/synonymous amino acid change and it is not expected to impact splicing.

Sema4
Classification: Likely benign for Hereditary cancer-predisposing syndrome. Last evaluated: 2021-01-26. Review status: criteria provided, single submitter. Criteria: Sema4 Curation Guidelines. Collection method: curation. Allele origin: germline.

Ambry Genetics
Classification: Likely benign for Hereditary cancer-predisposing syndrome. Last evaluated: 2015-09-13. Review status: criteria provided, single submitter. Criteria: Ambry Variant Classification Scheme 2023. Collection method: clinical testing. Allele origin: germline.

NM_032043.3(BRIP1):c.1207C>A (p.Arg403=)

Gene: BRIP1 (BRCA1 interacting DNA helicase 1; minus strand). Cytogenetic location: 17q23.2.
Variant type: single nucleotide variant.
Coding change: c.1207C>A on transcript NM_032043.3 (MANE Select); coding-DNA position 1207, C replaced by A.
Protein change: p.Arg403=; no amino-acid change (arginine 403 retained).
Molecular consequence: synonymous variant.
Genome position (GRCh38, 1-based): chr17:61,799,233, G>T on the plus strand (C>A on the coding strand, the complement: BRIP1 is on the minus strand). VCF-style: chr17-61799233-G-T. GRCh37 (hg19) VCF-style: chr17-59876594-G-T.
Identifiers: ClinVar variation 233882 (VCV000233882.17), dbSNP rs369631413, ClinGen allele CA10580842.